The following is an entry in ClinVar:

NM_025179.4(PLXNA2):c.3674C>T (p.Ser1225Leu)

Gene: PLXNA2 (plexin A2; minus strand). Cytogenetic location: 1q32.2.
Variant type: single nucleotide variant.
Coding change: c.3674C>T on transcript NM_025179.4 (MANE Select); coding-DNA position 3674, C replaced by T.
Protein change: p.Ser1225Leu; replaces serine 1225 with leucine.
Molecular consequence: missense variant.
Genome position (GRCh38, 1-based): chr1:208,044,708, G>A on the plus strand (C>T on the coding strand, the complement: PLXNA2 is on the minus strand). VCF-style: chr1-208044708-G-A. GRCh37 (hg19) VCF-style: chr1-208218053-G-A.
Other names: c.3674C>T (NM_025179.3); short protein forms S1225L.
Identifiers: ClinVar variation 2889413 (VCV002889413.4), dbSNP rs140111660, ClinGen allele CA1373095.
Genomic context (GRCh38, chr1:208,044,708, plus strand): 5'-CCGGCCGCGATGCTGACGATGGCTGGCAGGGTCAGCAAGCTGTCTGAGATGACACTCACC[G>A]AGCCAGGCGAGAACACCATCCCGCCCACGTGAACCTGTGCATTGTACACATACAGACGCA-3'
Protein context (NP_079455.3, residues 1215-1235): HVGGMVFSPG[Ser1225Leu]VSVISDSLLT

ClinVar aggregate classification (germline): Uncertain significance. Review status: criteria provided, single submitter (1 of 4 stars). 2 submissions from 2 submitters: Uncertain significance (1). 1 of the submissions does not count toward it. Last evaluated 2022-12-30.

Conditions:
PLXNA2-related disorder. Also called: PLXNA2-related condition.

gnomAD v4.1: 36 of 1,613,866 alleles (0.0022%); highest among the groups gnomAD compares: Middle Eastern, 0.033%; no homozygotes.

Submissions (2):

Labcorp Genetics (formerly Invitae), Labcorp
Classification: Uncertain significance. Last evaluated: 2022-12-30. Review status: criteria provided, single submitter. Criteria: Invitae Variant Classification Sherloc (09022015). Collection method: clinical testing. Allele origin: germline.
Comment: In summary, the available evidence is currently insufficient to determine the role of this variant in disease. Therefore, it has been classified as a Variant of Uncertain Significance. Advanced modeling of protein sequence and biophysical properties (such as structural, functional, and spatial information, amino acid conservation, physicochemical variation, residue mobility, and thermodynamic stability) performed at Invitae indicates that this missense variant is not expected to disrupt PLXNA2 protein function. This variant has not been reported in the literature in individuals affected with PLXNA2-related conditions. This variant is present in population databases (rs140111660, gnomAD 0.03%). This sequence change replaces serine, which is neutral and polar, with leucine, which is neutral and non-polar, at codon 1225 of the PLXNA2 protein (p.Ser1225Leu).

PreventionGenetics, part of Exact Sciences
Classification: Uncertain significance for PLXNA2-related condition. Last evaluated: 2024-05-03. Review status: no assertion criteria provided. Collection method: clinical testing. Allele origin: germline. Not counted in ClinVar's aggregate classification.
Comment: The PLXNA2 c.3674C>T variant is predicted to result in the amino acid substitution p.Ser1225Leu. To our knowledge, this variant has not been reported in the literature. This variant is reported in 0.026% of alleles in individuals of South Asian descent in gnomAD. At this time, the clinical significance of this variant is uncertain due to the absence of conclusive functional and genetic evidence.